The following is an entry in ClinVar:

NM_201548.5(CERKL):c.433G>T (p.Glu145Ter)

Gene: CERKL (CERK like autophagy regulator; minus strand). Cytogenetic location: 2q31.3.
Variant type: single nucleotide variant.
Coding change: c.433G>T on transcript NM_201548.5 (MANE Select); coding-DNA position 433, G replaced by T.
Protein change: p.Glu145Ter; replaces glutamic acid 145 with a stop codon.
Molecular consequence: nonsense. On other transcripts: non-coding transcript variant (2).
Genome position (GRCh38, 1-based): chr2:181,603,885, C>A on the plus strand (G>T on the coding strand, the complement: CERKL is on the minus strand). VCF-style: chr2-181603885-C-A. GRCh37 (hg19) VCF-style: chr2-182468612-C-A.
Other names: c.433G>T, p.Glu145Ter (NM_001030311.3, NM_001030312.3, NM_001030313.3 and 1 more transcripts); short protein forms E145*.
Identifiers: ClinVar variation 5003799 (VCV005003799.1).

ClinVar aggregate classification (germline): Pathogenic (1 of 4 stars; one submission).

Conditions:
Retinitis pigmentosa 26 (RP26). Identifiers: Orphanet 791, MedGen C1842127, MONDO:0012024, OMIM 608380.

Submission:

Myriad Genetics, Inc.
Classification: Pathogenic for Retinitis pigmentosa 26. Last evaluated: 2026-04-24. Review status: criteria provided, single submitter. Criteria: Myriad Autosomal Dominant, Autosomal Recessive and X-Linked Classification Criteria (2023). Collection method: clinical testing. Allele origin: unknown.
Comment: NM_001030311.2(CERKL):c.433G>T(E145*) is a nonsense variant classified as pathogenic in the context of retinitis pigmentosa, CERKL-related. E145* has not been observed in cases with relevant disease. Relevant functional assessments of this variant are not available in the literature. E145* has not been observed in referenced population frequency databases. In summary, NM_001030311.2(CERKL):c.433G>T(E145*) is a nonsense variant in a gene where loss of function is a known mechanism of disease and is predicted to disrupt protein function. Please note: this variant was assessed in the context of healthy population screening.